The following is an entry in ClinVar:

NM_001040151.2(SCN3B):c.83A>G (p.Glu28Gly)

Gene: SCN3B (sodium voltage-gated channel beta subunit 3; minus strand). Cytogenetic location: 11q24.1.
Variant type: single nucleotide variant.
Coding change: c.83A>G on transcript NM_001040151.2 (MANE Select); coding-DNA position 83, A replaced by G.
Protein change: p.Glu28Gly; replaces glutamic acid 28 with glycine.
Molecular consequence: missense variant.
Genome position (GRCh38, 1-based): chr11:123,645,723, T>C on the plus strand (A>G on the coding strand, the complement: SCN3B is on the minus strand). VCF-style: chr11-123645723-T-C. GRCh37 (hg19) VCF-style: chr11-123516431-T-C.
Other names: c.83A>G, p.Glu28Gly (NM_018400.4); short protein forms E28G.
Identifiers: ClinVar variation 1763231 (VCV001763231.2), dbSNP rs2497580586, ClinGen allele CA383073229.

ClinVar aggregate classification (germline): Uncertain significance (1 of 4 stars; one submission).

Conditions:
Cardiovascular phenotype. Identifiers: MedGen CN230736.

Submission:

Ambry Genetics
Classification: Uncertain significance for Cardiovascular phenotype. Last evaluated: 2021-07-18. Review status: criteria provided, single submitter. Criteria: Ambry Variant Classification Scheme 2023. Collection method: clinical testing. Allele origin: germline.
Comment: The p.E28G variant (also known as c.83A>G), located in coding exon 2 of the SCN3B gene, results from an A to G substitution at nucleotide position 83. The glutamic acid at codon 28 is replaced by glycine, an amino acid with similar properties. This amino acid position is conserved. In addition, this alteration is predicted to be deleterious by in silico analysis. Since supporting evidence is limited at this time, the clinical significance of this alteration remains unclear.